The following is an entry in ClinVar:

NC_000021.8:g.(?_45725202)_(45929269_?)dup

Genes: CFAP410 (cilia and flagella associated protein 410; minus strand), LRRC3 (leucine rich repeat containing 3; plus strand), PFKL (phosphofructokinase, liver type; plus strand), TRPM2 (transient receptor potential cation channel subfamily M member 2; plus strand), TSPEAR (thrombospondin type laminin G domain and EAR repeats; minus strand). Cytogenetic location: 21q22.3.
Variant type: Duplication.
Identifiers: ClinVar variation 830536 (VCV000830536.1).

ClinVar aggregate classification (germline): Uncertain significance (1 of 4 stars; one submission).

Submission:

Labcorp Genetics (formerly Invitae), Labcorp
Classification: Uncertain significance. Last evaluated: 2019-11-21. Review status: criteria provided, single submitter. Criteria: Invitae Variant Classification Sherloc (09022015). Collection method: clinical testing. Allele origin: germline.
Comment: This variant results in a copy number gain of the genomic region encompassing the full coding sequence of the CFAP410 gene. The boundaries of this event are unknown as they extend beyond the assayed region for this gene and therefore may encompass additional genes. As the precise location of this event is unknown, it may be in tandem or it may be located elsewhere in the genome. This variant has not been reported in the literature in individuals with CFAP410-related conditions. In summary, the available evidence is currently insufficient to determine the role of this variant in disease. Therefore, it has been classified as a Variant of Uncertain Significance.